The following is an entry in ClinVar:

NM_001369.3(DNAH5):c.6411C>T (p.Leu2137=)

Gene: DNAH5 (dynein axonemal heavy chain 5; minus strand). Cytogenetic location: 5p15.2.
Variant type: single nucleotide variant.
Coding change: c.6411C>T on transcript NM_001369.3 (MANE Select); coding-DNA position 6411, C replaced by T.
Protein change: p.Leu2137=; no amino-acid change (leucine 2137 retained).
Molecular consequence: synonymous variant.
Genome position (GRCh38, 1-based): chr5:13,829,543, G>A on the plus strand (C>T on the coding strand, the complement: DNAH5 is on the minus strand). VCF-style: chr5-13829543-G-A. GRCh37 (hg19) VCF-style: chr5-13829652-G-A.
Identifiers: ClinVar variation 700837 (VCV000700837.12), dbSNP rs776835360, ClinGen allele CA113937630.

ClinVar aggregate classification (germline): Likely benign. Review status: criteria provided, single submitter (1 of 4 stars). 2 submissions from 2 submitters: Likely benign (1). 1 of the submissions does not count toward it. Last evaluated 2024-04-10.

Conditions:
DNAH5-related disorder. Also called: DNAH5-related condition.
Primary ciliary dyskinesia. Also called: Ciliary dyskinesia. Identifiers: Orphanet 244, MedGen C0008780, MONDO:0016575, HP:0012265.

Allele frequency attached by ClinVar (database versions not stated): TOPMed 0.00001; gnomAD 0.00003.
gnomAD v4.1: 23 of 1,614,038 alleles (0.0014%); highest among the groups gnomAD compares: East Asian, 0.049%; no homozygotes.

Submissions (2):

Labcorp Genetics (formerly Invitae), Labcorp
Classification: Likely benign for Primary ciliary dyskinesia. Last evaluated: 2024-04-10. Review status: criteria provided, single submitter. Criteria: Invitae Variant Classification Sherloc (09022015). Collection method: clinical testing. Allele origin: germline.

PreventionGenetics, part of Exact Sciences
Classification: Likely benign for DNAH5-related condition. Last evaluated: 2019-05-01. Review status: no assertion criteria provided. Collection method: clinical testing. Allele origin: germline. Not counted in ClinVar's aggregate classification.
Comment: This variant is classified as likely benign based on ACMG/AMP sequence variant interpretation guidelines (Richards et al. 2015 PMID: 25741868, with internal and published modifications).